The following is an entry in ClinVar:

NM_001370658.1(BTD):c.751G>T (p.Ala251Ser)

Gene: BTD (biotinidase; plus strand). Cytogenetic location: 3p25.1.
Variant type: single nucleotide variant.
Coding change: c.751G>T on transcript NM_001370658.1 (MANE Select); coding-DNA position 751, G replaced by T.
Protein change: p.Ala251Ser; replaces alanine 251 with serine.
Molecular consequence: missense variant. On other transcripts: intron variant (1).
Genome position (GRCh38, 1-based): chr3:15,644,667, G>T. VCF-style: chr3-15644667-G-T. GRCh37 (hg19) VCF-style: chr3-15686174-G-T.
Other names: c.811G>T, p.Ala271Ser (NM_000060.4); c.751G>T, p.Ala251Ser (NM_001281723.4, NM_001281724.3, NM_001281725.3 and 18 more transcripts); c.399+2610G>T (NM_001370753.1); short protein forms A251S, A271S.
Identifiers: ClinVar variation 1027092 (VCV001027092.17), dbSNP rs144575084, ClinGen allele CA2277381.

ClinVar aggregate classification (germline): Conflicting classifications of pathogenicity. Review status: criteria provided, conflicting classifications (1 of 4 stars). 2 submissions from 2 submitters: Likely pathogenic (1); Uncertain significance (1). Last evaluated 2020-12-10.

Conditions:
Biotinidase deficiency. Also called: Biotin deficiency; BTD deficiency; Late-onset biotin-responsive multiple carboxylase deficiency. Identifiers: Orphanet 79241, MedGen C0220754, MONDO:0009665, OMIM 253260.

Allele frequency attached by ClinVar (database versions not stated): gnomAD exomes 0.00001; TOPMed 0.00001; ExAC 0.00002; gnomAD 0.00002; ESP Exome Variant Server 0.00008.
gnomAD v4.1: 3 of 1,614,050 alleles (0.00019%); highest among the groups gnomAD compares: African/African-American, 0.004%; no homozygotes.

Submissions (2):

Quest Diagnostics Nichols Institute San Juan Capistrano
Classification: Likely pathogenic. Last evaluated: 2020-12-10. Review status: criteria provided, single submitter. Criteria: Quest Diagnostics criteria. Collection method: clinical testing. Allele origin: unknown.
Comment: Based on the available information, the variant is predicted to be likely pathogenic.

Labcorp Genetics (formerly Invitae), Labcorp
Classification: Uncertain significance for Biotinidase deficiency. Last evaluated: 2020-08-24. Review status: criteria provided, single submitter. Criteria: Invitae Variant Classification Sherloc (09022015). Collection method: clinical testing. Allele origin: germline.
Comment: This sequence change replaces alanine with serine at codon 271 of the BTD protein (p.Ala271Ser). The alanine residue is highly conserved and there is a moderate physicochemical difference between alanine and serine. This variant is present in population databases (rs144575084, ExAC 0.02%). This variant has not been reported in the literature in individuals with BTD-related conditions. Algorithms developed to predict the effect of missense changes on protein structure and function are either unavailable or do not agree on the potential impact of this missense change (SIFT: "Tolerated"; PolyPhen-2: "Probably Damaging"; Align-GVGD: "Class C15"). In summary, the available evidence is currently insufficient to determine the role of this variant in disease. Therefore, it has been classified as a Variant of Uncertain Significance.